The following is an entry in ClinVar:

ClinVar aggregate classification (germline): Uncertain significance (1 of 4 stars; one submission).

Conditions:
Gnathodiaphyseal dysplasia (GDD). Also called: GNATHODIAPHYSEAL SCLEROSIS; OSTEOGENESIS IMPERFECTA WITH UNUSUAL SKELETAL LESIONS. Identifiers: Orphanet 53697, MedGen C1833736, MONDO:0008151, OMIM 166260.
Autosomal recessive limb-girdle muscular dystrophy type 2L (LGMDR12). Also called: Limb-girdle muscular dystrophy, type 2L; MUSCULAR DYSTROPHY, LIMB-GIRDLE, AUTOSOMAL RECESSIVE 12; Limb-Girdle Muscular Dystrophy R12 Anoctamin-5-Related (LGMD-R12). Identifiers: Orphanet 206549, MedGen C1969785, MONDO:0012652, OMIM 611307.

Submission:

Labcorp Genetics (formerly Invitae), Labcorp
Classification: Uncertain significance for Autosomal recessive limb-girdle muscular dystrophy type 2L; Gnathodiaphyseal dysplasia. Last evaluated: 2023-08-24. Review status: criteria provided, single submitter. Criteria: Invitae Variant Classification Sherloc (09022015). Collection method: clinical testing. Allele origin: germline.
Comment: In summary, the available evidence is currently insufficient to determine the role of this variant in disease. Therefore, it has been classified as a Variant of Uncertain Significance. Advanced modeling of protein sequence and biophysical properties (such as structural, functional, and spatial information, amino acid conservation, physicochemical variation, residue mobility, and thermodynamic stability) has been performed at Invitae for this missense variant, however the output from this modeling did not meet the statistical confidence thresholds required to predict the impact of this variant on ANO5 protein function. ClinVar contains an entry for this variant (Variation ID: 2108543). This variant has not been reported in the literature in individuals affected with ANO5-related conditions. This variant is not present in population databases (gnomAD no frequency). This sequence change replaces isoleucine, which is neutral and non-polar, with threonine, which is neutral and polar, at codon 351 of the ANO5 protein (p.Ile351Thr).

NM_213599.3(ANO5):c.1052T>C (p.Ile351Thr)

Gene: ANO5 (anoctamin 5; plus strand). Cytogenetic location: 11p14.3.
Variant type: single nucleotide variant.
Coding change: c.1052T>C on transcript NM_213599.3 (MANE Select); coding-DNA position 1052, T replaced by C.
Protein change: p.Ile351Thr; replaces isoleucine 351 with threonine.
Molecular consequence: missense variant.
Genome position (GRCh38, 1-based): chr11:22,250,779, T>C. VCF-style: chr11-22250779-T-C. GRCh37 (hg19) VCF-style: chr11-22272325-T-C.
Other names: c.1049T>C, p.Ile350Thr (NM_001142649.2); c.1010T>C, p.Ile337Thr (NM_001410963.1); c.1007T>C, p.Ile336Thr (NM_001410964.1); short protein forms I351T, I350T, I336T, I337T.
Identifiers: ClinVar variation 2108543 (VCV002108543.4), dbSNP rs2494259266, ClinGen allele CA379921027.